The following is an entry in ClinVar:

ClinVar aggregate classification (germline): Uncertain significance. Review status: criteria provided, multiple submitters, no conflicts (2 of 4 stars). 4 submissions from 4 submitters: Uncertain significance (4). Last evaluated 2025-11-09.

Conditions:
Mosaic variegated aneuploidy syndrome 1 (MVA1). Also called: Warburton-Anyane-Yeboa syndrome. Identifiers: Orphanet 1052, MedGen C1850343, MONDO:0009759, OMIM 257300.
Premature chromatid separation trait (PCS). Also called: TOTAL PREMATURE CHROMATID SEPARATION TRAIT. Identifiers: MedGen C1864389, MONDO:0008304, OMIM 176430.
Colorectal cancer. Also called: Colorectal cancer, somatic; Malignant Colorectal Neoplasm. Identifiers: MedGen C0346629, MONDO:0005575, OMIM 114500.
BUB1B-related disorder. Also called: BUB1B-related condition.
Inborn genetic diseases. Identifiers: MedGen C0950123, MeSH D030342.

Allele frequency attached by ClinVar (database versions not stated): gnomAD exomes below 0.00001 and 0.00001; ExAC 0.00001; gnomAD 0.00001; TOPMed 0.00002.
gnomAD v4.1: 9 of 1,613,630 alleles (0.00056%); highest among the groups gnomAD compares: Middle Eastern, 0.033%; no homozygotes.

Submissions (4):

Labcorp Genetics (formerly Invitae), Labcorp
Classification: Uncertain significance for Mosaic variegated aneuploidy syndrome 1. Last evaluated: 2025-11-09. Review status: criteria provided, single submitter. Criteria: Invitae Variant Classification Sherloc (09022015). Collection method: clinical testing. Allele origin: germline.
Comment: This sequence change replaces alanine, which is neutral and non-polar, with valine, which is neutral and non-polar, at codon 388 of the BUB1B protein (p.Ala388Val). This variant is present in population databases (rs771602632, gnomAD 0.0009%). This variant has not been reported in the literature in individuals affected with BUB1B-related conditions. ClinVar contains an entry for this variant (Variation ID: 1381297). An algorithm developed to predict the effect of missense changes on protein structure and function (PolyPhen-2) suggests that this variant is likely to be tolerated. In summary, the available evidence is currently insufficient to determine the role of this variant in disease. Therefore, it has been classified as a Variant of Uncertain Significance.

Fulgent Genetics
Classification: Uncertain significance for Colorectal cancer; Premature chromatid separation trait; Mosaic variegated aneuploidy syndrome 1. Last evaluated: 2024-03-18. Review status: criteria provided, single submitter. Criteria: ACMG Guidelines, 2015. Collection method: clinical testing. Allele origin: germline.

PreventionGenetics, part of Exact Sciences
Classification: Uncertain significance for BUB1B-related condition. Last evaluated: 2023-04-13. Review status: criteria provided, single submitter. Criteria: ACMG Guidelines, 2015. Collection method: clinical testing. Allele origin: germline.
Comment: The BUB1B c.1163C>T variant is predicted to result in the amino acid substitution p.Ala388Val. To our knowledge, this variant has not been reported in the literature. This variant is reported in 1 of ~251,000 alleles in individuals of European (Non-Finnish) descent in gnomAD. It is interpreted as uncertain significance in ClinVar. At this time, the clinical significance of this variant is uncertain due to the absence of conclusive functional and genetic evidence.

Ambry Genetics
Classification: Uncertain significance for Inborn genetic diseases. Last evaluated: 2022-11-03. Review status: criteria provided, single submitter. Criteria: Ambry Variant Classification Scheme 2023. Collection method: clinical testing. Allele origin: germline.
Comment: The p.A388V variant (also known as c.1163C>T), located in coding exon 9 of the BUB1B gene, results from a C to T substitution at nucleotide position 1163. The alanine at codon 388 is replaced by valine, an amino acid with similar properties. This amino acid position is conserved. In addition, this alteration is predicted to be tolerated by in silico analysis. Since supporting evidence is limited at this time, the clinical significance of this alteration remains unclear.

NM_001211.6(BUB1B):c.1163C>T (p.Ala388Val)

Gene: BUB1B (BUB1 mitotic checkpoint serine/threonine kinase B; plus strand). Cytogenetic location: 15q15.1.
Variant type: single nucleotide variant.
Coding change: c.1163C>T on transcript NM_001211.6 (MANE Select); coding-DNA position 1163, C replaced by T.
Protein change: p.Ala388Val; replaces alanine 388 with valine.
Molecular consequence: missense variant.
Genome position (GRCh38, 1-based): chr15:40,196,649, C>T. VCF-style: chr15-40196649-C-T. GRCh37 (hg19) VCF-style: chr15-40488850-C-T.
Other names: c.1163C>T (NM_001211.5); short protein forms A388V.
Identifiers: ClinVar variation 1381297 (VCV001381297.11), dbSNP rs771602632, ClinGen allele CA7475669.
Genomic context (GRCh38, chr15:40,196,649, plus strand): 5'-CCAGAAAGCCTGGAAAGGAAGAAGGAGATCCTCTACAAAGGGTTCAGAGCCATCAGCAAG[C>T]GTCTGAGGAGAAGAAAGAGAAGATGATGTATTGTAAGGAGAAGATTTATGCAGGAGTAGG-3'
Protein context (NP_001202.5, residues 378-398): PLQRVQSHQQ[Ala388Val]SEEKKEKMMY